The following is an entry in ClinVar:

ClinVar aggregate classification (germline): Likely benign (0 of 4 stars; one submission).

Conditions:
NCAPD2-related disorder. Also called: NCAPD2-related condition.

Allele frequency attached by ClinVar (database versions not stated): gnomAD exomes 0.00002; ExAC 0.00006; gnomAD 0.00010; TOPMed 0.00012.
gnomAD v4.1: 51 of 1,614,018 alleles (0.0032%); highest among the groups gnomAD compares: African/African-American, 0.028%; no homozygotes.

Submission:

PreventionGenetics, part of Exact Sciences
Classification: Likely benign for NCAPD2-related condition. Last evaluated: 2019-12-24. Review status: no assertion criteria provided. Collection method: clinical testing. Allele origin: germline.
Comment: This variant is classified as likely benign based on ACMG/AMP sequence variant interpretation guidelines (Richards et al. 2015 PMID: 25741868, with internal and published modifications).

NM_014865.4(NCAPD2):c.1026G>A (p.Ala342=)

Gene: NCAPD2 (non-SMC condensin I complex subunit D2; plus strand). Cytogenetic location: 12p13.31.
Variant type: single nucleotide variant.
Coding change: c.1026G>A on transcript NM_014865.4 (MANE Select); coding-DNA position 1026, G replaced by A.
Protein change: p.Ala342=; no amino-acid change (alanine 342 retained).
Molecular consequence: synonymous variant.
Genome position (GRCh38, 1-based): chr12:6,516,866, G>A. VCF-style: chr12-6516866-G-A. GRCh37 (hg19) VCF-style: chr12-6626032-G-A.
Identifiers: ClinVar variation 3043179 (VCV003043179.2), dbSNP rs780733818, ClinGen allele CA6408291.